The following is an entry in ClinVar:

NM_000152.5(GAA):c.859C>T (p.Pro287Ser)

Gene: GAA (alpha glucosidase; plus strand). Cytogenetic location: 17q25.3.
Variant type: single nucleotide variant.
Coding change: c.859C>T on transcript NM_000152.5 (MANE Select); coding-DNA position 859, C replaced by T.
Protein change: p.Pro287Ser; replaces proline 287 with serine.
Molecular consequence: missense variant.
Genome position (GRCh38, 1-based): chr17:80,107,800, C>T. VCF-style: chr17-80107800-C-T. GRCh37 (hg19) VCF-style: chr17-78081599-C-T.
Other names: c.859C>T (LRG_673t1); c.859C>T, p.Pro287Ser (NM_001079803.3, NM_001079804.3); short protein forms P287S.
Identifiers: ClinVar variation 655532 (VCV000655532.13), dbSNP rs369735511, ClinGen allele CA8815071.

ClinVar aggregate classification (germline): Uncertain significance. Review status: criteria provided, multiple submitters, no conflicts (2 of 4 stars). 4 submissions from 4 submitters: Uncertain significance (3). 1 of the submissions does not count toward it. Last evaluated 2025-12-03.

Conditions:
Glycogen storage disease, type II (IOPD). Also called: Glycogen storage disease type 2; Acid maltase deficiency disease; Aglucosidase alfa; Deficiency of alpha-glucosidase; Deficiency of lysosomal alpha-glucosidase; Pompe Disease. Identifiers: Orphanet 365, MedGen C0017921, MONDO:0009290, OMIM 232300.

Allele frequency attached by ClinVar (database versions not stated): gnomAD exomes below 0.00001; ExAC 0.00002; gnomAD 0.00002 and 0.00003; TOPMed 0.00002; ESP Exome Variant Server 0.00008.
gnomAD v4.1: 8 of 1,611,402 alleles (0.0005%); highest among the groups gnomAD compares: African/African-American, 0.0067%; no homozygotes.

Submissions (4):

Myriad Genetics, Inc.
Classification: Uncertain significance for Glycogen storage disease, type II. Last evaluated: 2025-12-03. Review status: criteria provided, single submitter. Criteria: Myriad Autosomal Dominant, Autosomal Recessive and X-Linked Classification Criteria (2023). Collection method: clinical testing. Allele origin: unknown.
Comment: NM_000152.3(GAA):c.859C>T(P287S) is a missense variant classified as a variant of uncertain significance in the context of Pompe disease. P287S has not been observed in cases with relevant disease. Relevant functional assessments of this variant are not available in the literature. P287S has been observed in referenced population frequency databases. In summary, there is insufficient evidence to classify NM_000152.3(GAA):c.859C>T(P287S) as pathogenic or benign. Please note: this variant was assessed in the context of healthy population screening.

Revvity Omics, Revvity
Classification: Uncertain significance. Last evaluated: 2025-04-16. Review status: criteria provided, single submitter. Criteria: ACMG Guidelines, 2015. Collection method: clinical testing. Allele origin: germline.

Labcorp Genetics (formerly Invitae), Labcorp
Classification: Uncertain significance for Glycogen storage disease, type II. Last evaluated: 2024-12-27. Review status: criteria provided, single submitter. Criteria: Invitae Variant Classification Sherloc (09022015). Collection method: clinical testing. Allele origin: germline.
Comment: This sequence change replaces proline, which is neutral and non-polar, with serine, which is neutral and polar, at codon 287 of the GAA protein (p.Pro287Ser). This variant is present in population databases (rs369735511, gnomAD 0.003%). This variant has not been reported in the literature in individuals affected with GAA-related conditions. ClinVar contains an entry for this variant (Variation ID: 655532). An algorithm developed to predict the effect of missense changes on protein structure and function (PolyPhen-2) suggests that this variant¬†is likely to be tolerated. In summary, the available evidence is currently insufficient to determine the role of this variant in disease. Therefore, it has been classified as a Variant of Uncertain Significance.

Natera, Inc.
Classification: Uncertain significance for Glycogen storage disease type II. Last evaluated: 2020-10-21. Review status: no assertion criteria provided. Collection method: clinical testing. Allele origin: germline. Not counted in ClinVar's aggregate classification.